The following is an entry in ClinVar:

ClinVar aggregate classification (germline): Uncertain significance. Review status: criteria provided, multiple submitters, no conflicts (2 of 4 stars). 2 submissions from 2 submitters: Uncertain significance (2). Last evaluated 2022-10-05.

Conditions:
Generalized epilepsy-paroxysmal dyskinesia syndrome (PNKD3). Also called: Paroxysmal nonkinesigenic dyskinesia, 3, with or without generalized epilepsy; Generalized epilepsy and paroxysmal dyskinesia. Identifiers: Orphanet 79137, MedGen C5574945, MONDO:0012276, OMIM 609446.

gnomAD v4.1: 2 of 1,613,882 alleles (0.00012%); highest among the groups gnomAD compares: Non-Finnish European, 0.000085%; no homozygotes.

Submissions (2):

GeneDx
Classification: Uncertain significance. Last evaluated: 2022-10-05. Review status: criteria provided, single submitter. Criteria: GeneDx Variant Classification Process June 2021. Collection method: clinical testing. Allele origin: germline. Affected: yes.
Comment: Not observed at significant frequency in large population cohorts (gnomAD); In silico analysis supports that this missense variant does not alter protein structure/function; Has not been previously published as pathogenic or benign to our knowledge

Labcorp Genetics (formerly Invitae), Labcorp
Classification: Uncertain significance for Generalized epilepsy-paroxysmal dyskinesia syndrome. Last evaluated: 2022-03-26. Review status: criteria provided, single submitter. Criteria: Invitae Variant Classification Sherloc (09022015). Collection method: clinical testing. Allele origin: germline.
Comment: ClinVar contains an entry for this variant (Variation ID: 1059551). In summary, the available evidence is currently insufficient to determine the role of this variant in disease. Therefore, it has been classified as a Variant of Uncertain Significance. Algorithms developed to predict the effect of missense changes on protein structure and function (SIFT, PolyPhen-2, Align-GVGD) all suggest that this variant is likely to be tolerated. This variant has not been reported in the literature in individuals affected with KCNMA1-related conditions. This variant is not present in population databases (gnomAD no frequency). This sequence change replaces arginine, which is basic and polar, with serine, which is neutral and polar, at codon 689 of the KCNMA1 protein (p.Arg689Ser).

NM_001161352.2(KCNMA1):c.2067A>C (p.Arg689Ser)

Gene: KCNMA1 (potassium calcium-activated channel subfamily M alpha 1; minus strand). Cytogenetic location: 10q22.3.
Variant type: single nucleotide variant.
Coding change: c.2067A>C on transcript NM_001161352.2 (MANE Select); coding-DNA position 2067, A replaced by C.
Protein change: p.Arg689Ser; replaces arginine 689 with serine.
Molecular consequence: missense variant.
Genome position (GRCh38, 1-based): chr10:77,011,992, T>G on the plus strand (A>C on the coding strand, the complement: KCNMA1 is on the minus strand). VCF-style: chr10-77011992-T-G. GRCh37 (hg19) VCF-style: chr10-78771750-T-G.
Other names: c.2079A>C, p.Arg693Ser (NM_001014797.3, NM_001322830.2, NM_001322835.2 and 1 more transcripts); c.2067A>C, p.Arg689Ser (NM_001161353.2, NM_001271519.2, NM_001322829.2 and 3 more transcripts); c.1917A>C, p.Arg639Ser (NM_001271518.2); c.1527A>C, p.Arg509Ser (NM_001322838.2); c.2067A>C (NM_002247.3); short protein forms R509S, R639S, R689S, R693S.
Identifiers: ClinVar variation 1059551 (VCV001059551.9), dbSNP rs2153454235, ClinGen allele CA377407175.